The following is an entry in ClinVar:

ClinVar aggregate classification (germline): Uncertain significance (1 of 4 stars; one submission).

Conditions:
Intellectual developmental disorder, X-linked 99, syndromic, female-restricted. Also called: Intellectual disability, X-linked 99, syndromic, female-restricted. Identifiers: MedGen C4225416, MONDO:0010502, OMIM 300968.

Submission:

HudsonAlpha Institute for Biotechnology
Classification: Uncertain significance for Intellectual developmental disorder, X-linked 99, syndromic, female-restricted. Last evaluated: 2020-05-28. Review status: criteria provided, single submitter. Criteria: ACMG Guidelines, 2015. Collection method: research. Allele origin: de novo. Observed: 1 variant allele. Study: CSER-SouthSeq.
Comment: ACMG codes: PS2_S; PM2, PP3

NM_001039591.3(USP9X):c.4817A>G (p.Asp1606Gly)

Gene: USP9X (ubiquitin specific peptidase 9 X-linked; plus strand). Cytogenetic location: Xp11.4.
Variant type: single nucleotide variant.
Coding change: c.4817A>G on transcript NM_001039591.3 (MANE Select); coding-DNA position 4817, A replaced by G.
Protein change: p.Asp1606Gly; replaces aspartic acid 1606 with glycine.
Molecular consequence: missense variant.
Genome position (GRCh38, 1-based): chrX:41,201,273, A>G. VCF-style: chrX-41201273-A-G. GRCh37 (hg19) VCF-style: chrX-41060526-A-G.
Other names: c.4817A>G, p.Asp1606Gly (NM_001039590.3); short protein forms D1606G.
Identifiers: ClinVar variation 929458 (VCV000929458.1), dbSNP rs2063039248, ClinGen allele CA412779906.